The following is an entry in ClinVar:

NM_018834.6(MATR3):c.381T>C (p.Arg127=)

Gene: MATR3 (matrin 3; plus strand). Cytogenetic location: 5q31.2.
Variant type: single nucleotide variant.
Coding change: c.381T>C on transcript NM_018834.6 (MANE Select); coding-DNA position 381, T replaced by C.
Protein change: p.Arg127=; no amino-acid change (arginine 127 retained).
Molecular consequence: synonymous variant. On other transcripts: intron variant (11).
Genome position (GRCh38, 1-based): chr5:139,307,796, T>C. VCF-style: chr5-139307796-T-C. GRCh37 (hg19) VCF-style: chr5-138643485-T-C.
Other names: c.381T>C, p.Arg127= (NM_001194954.2, NM_001194955.2, NM_001400441.1 and 16 more transcripts); c.52-6879T>C (NM_001400459.1); c.-102-6879T>C (NM_001400463.1, NM_001400460.1, NM_001282278.2 and 3 more transcripts); c.-40-7901T>C (NM_001400462.1, NM_001400467.1); c.13-6879T>C (NM_001400461.1); c.49-6879T>C (NM_001194956.2).
Identifiers: ClinVar variation 4986231 (VCV004986231.1).

ClinVar aggregate classification (germline): Likely benign (1 of 4 stars; one submission).

Conditions:
MATR3-related disorder. Also called: MATR3-related condition.

Submission:

PreventionGenetics, part of Exact Sciences
Classification: Likely benign for MATR3-related condition. Last evaluated: 2025-02-13. Review status: criteria provided, single submitter. Criteria: ACMG Guidelines, 2015. Collection method: clinical testing. Allele origin: germline.
Comment: This variant is classified as likely benign based on ACMG/AMP sequence variant interpretation guidelines (Richards et al. 2015 PMID: 25741868, with internal and published modifications).